The following is an entry in ClinVar:

NM_003640.5(ELP1):c.574G>A (p.Asp192Asn)

Gene: ELP1 (elongator acetyltransferase complex subunit 1; minus strand). Cytogenetic location: 9q31.3.
Variant type: single nucleotide variant.
Coding change: c.574G>A on transcript NM_003640.5 (MANE Select); coding-DNA position 574, G replaced by A.
Protein change: p.Asp192Asn; replaces aspartic acid 192 with asparagine.
Molecular consequence: missense variant. On other transcripts: intron variant (1).
Genome position (GRCh38, 1-based): chr9:108,919,328, C>T on the plus strand (G>A on the coding strand, the complement: ELP1 is on the minus strand). VCF-style: chr9-108919328-C-T. GRCh37 (hg19) VCF-style: chr9-111681608-C-T.
Other names: c.232G>A, p.Asp78Asn (NM_001318360.2); c.-307-1658G>A (NM_001330749.2); short protein forms D192N, D78N.
Identifiers: ClinVar variation 991315 (VCV000991315.3), dbSNP rs775011794, ClinGen allele CA197523264.
Genomic context (GRCh38, chr9:108,919,328, plus strand): 5'-CAACACTCACAGCAAAAAACTGTCCATCCCCCCGCCAGGTAACTTGTGGTCTATGGTCAT[C>T]CCAGGGCAAAGCAGACTCATGCTAAAAAGGGGAACAAACACCAATATTACTGGGGGACCT-3'
Protein context (NP_003631.2, residues 182-202): MQMHESALPW[Asp192Asn]DHRPQVTWRG

ClinVar aggregate classification (germline): Uncertain significance. Review status: criteria provided, single submitter (1 of 4 stars). 2 submissions from 2 submitters: Uncertain significance (1). 1 of the submissions does not count toward it. Last evaluated 2021-09-17.

Conditions:
Familial dysautonomia. Also called: HSAN III; FD. Identifiers: Orphanet 1764, MedGen C0013364, MONDO:0009131, OMIM 223900. Disease mechanism: loss of function.

Allele frequency attached by ClinVar (database versions not stated): gnomAD exomes below 0.00001 and 0.00001; TOPMed below 0.00001.
gnomAD v4.1: 8 of 1,613,566 alleles (0.0005%); highest among the groups gnomAD compares: Admixed American, 0.0033%; no homozygotes.

Submissions (2):

Labcorp Genetics (formerly Invitae), Labcorp
Classification: Uncertain significance. Last evaluated: 2021-09-17. Review status: criteria provided, single submitter. Criteria: Invitae Variant Classification Sherloc (09022015). Collection method: clinical testing. Allele origin: germline.
Comment: This sequence change replaces aspartic acid with asparagine at codon 192 of the ELP1 protein (p.Asp192Asn). The aspartic acid residue is moderately conserved and there is a small physicochemical difference between aspartic acid and asparagine. This variant is not present in population databases (ExAC no frequency). This variant has not been reported in the literature in individuals with ELP1-related conditions. Algorithms developed to predict the effect of missense changes on protein structure and function are either unavailable or do not agree on the potential impact of this missense change (SIFT: "Tolerated"; PolyPhen-2: "Probably Damaging"; Align-GVGD: "Class C0"). In summary, the available evidence is currently insufficient to determine the role of this variant in disease. Therefore, it has been classified as a Variant of Uncertain Significance.

Natera, Inc.
Classification: Uncertain significance for Familial dysautonomia. Last evaluated: 2020-08-25. Review status: no assertion criteria provided. Collection method: clinical testing. Allele origin: germline. Not counted in ClinVar's aggregate classification.